The following is an entry in ClinVar:

NM_000384.3(APOB):c.8363G>T (p.Gly2788Val)

Gene: APOB (apolipoprotein B; minus strand). Cytogenetic location: 2p24.1.
Variant type: single nucleotide variant.
Coding change: c.8363G>T on transcript NM_000384.3 (MANE Select); coding-DNA position 8363, G replaced by T.
Protein change: p.Gly2788Val; replaces glycine 2788 with valine.
Molecular consequence: missense variant.
Genome position (GRCh38, 1-based): chr2:21,008,505, C>A on the plus strand (G>T on the coding strand, the complement: APOB is on the minus strand). VCF-style: chr2-21008505-C-A. GRCh37 (hg19) VCF-style: chr2-21231377-C-A.
Other names: short protein forms G2788V.
Identifiers: ClinVar variation 856818 (VCV000856818.22), dbSNP rs534116066, ClinGen allele CA065600.

ClinVar aggregate classification (germline): Conflicting classifications of pathogenicity. Review status: criteria provided, conflicting classifications (1 of 4 stars). 5 submissions from 4 submitters: Uncertain significance (2); Benign (1); Likely benign (1). 1 of the submissions does not count toward it. Last evaluated 2025-12-08.

Conditions:
Familial hypobetalipoproteinemia 1. Also called: Hypobetalipoproteinemia, normotriglyceridemic; Acanthocytosis with hypobetalipoproteinemia; APOB-Related Familial Hypobetalipoproteinemia. Identifiers: MedGen C4551990, MONDO:0014252, OMIM 615558.
Hypercholesterolemia, autosomal dominant, type B (FHCL2). Also called: APOLIPOPROTEIN B-100, FAMILIAL DEFECTIVE; APOLIPOPROTEIN B-100, FAMILIAL LIGAND-DEFECTIVE; HYPERCHOLESTEROLEMIA, FAMILIAL, DUE TO LIGAND-DEFECTIVE APOLIPOPROTEIN B; Hyperlipoproteinemia Type IIb; Familial hypercholesterolemia 2; APOB-Related Familial Hypercholesterolemia, Autosomal Dominant. Identifiers: MedGen C1704417, MONDO:0007751, OMIM 144010.
APOB-related disorder. Also called: APOB-related condition; APOB-related disorders.
Cardiovascular phenotype. Identifiers: MedGen CN230736.

Allele frequency attached by ClinVar (database versions not stated): 1000 Genomes Project 30x 0.00062; 1000 Genomes Project 0.00080.
gnomAD v4.1: 172 of 1,614,066 alleles (0.011%); highest among the groups gnomAD compares: South Asian, 0.18%; 2 homozygotes.

Submissions (5):

Labcorp Genetics (formerly Invitae), Labcorp
Classification: Benign for Familial hypobetalipoproteinemia 1; Hypercholesterolemia, autosomal dominant, type B. Last evaluated: 2025-12-08. Review status: criteria provided, single submitter. Criteria: Invitae Variant Classification Sherloc (09022015). Collection method: clinical testing. Allele origin: germline.

Ambry Genetics
Classification: Likely benign for Cardiovascular phenotype. Last evaluated: 2022-12-06. Review status: criteria provided, single submitter. Criteria: Ambry Variant Classification Scheme 2023. Collection method: clinical testing. Allele origin: germline.

Illumina Laboratory Services, Illumina
Classification: Uncertain significance for Hypercholesterolemia, autosomal dominant, type B. Last evaluated: 2018-01-12. Review status: criteria provided, single submitter. Criteria: ICSL Variant Classification Criteria 13 December 2019. Collection method: clinical testing. Allele origin: germline.

Illumina Laboratory Services, Illumina
Classification: Uncertain significance for Familial hypobetalipoproteinemia 1. Last evaluated: 2018-01-12. Review status: criteria provided, single submitter. Criteria: ICSL Variant Classification Criteria 13 December 2019. Collection method: clinical testing. Allele origin: germline.

PreventionGenetics, part of Exact Sciences
Classification: Likely benign for APOB-related condition. Last evaluated: 2022-08-16. Review status: no assertion criteria provided. Collection method: clinical testing. Allele origin: germline. Not counted in ClinVar's aggregate classification.
Comment: This variant is classified as likely benign based on ACMG/AMP sequence variant interpretation guidelines (Richards et al. 2015 PMID: 25741868, with internal and published modifications).